The following is an entry in ClinVar:

ClinVar aggregate classification (germline): Uncertain significance (1 of 4 stars; one submission).

Conditions:
Emery-Dreifuss muscular dystrophy 5, autosomal dominant (EDMD5). Also called: EMERY-DREIFUSS MUSCULAR DYSTROPHY 5. Identifiers: Orphanet 261, MedGen C2751805, MONDO:0013072, OMIM 612999.

Allele frequency attached by ClinVar (database versions not stated): gnomAD exomes below 0.00001; gnomAD 0.00001; TOPMed 0.00001.
gnomAD v4.1: 9 of 1,613,994 alleles (0.00056%); highest among the groups gnomAD compares: Non-Finnish European, 0.00076%; no homozygotes.

Submission:

Labcorp Genetics (formerly Invitae), Labcorp
Classification: Uncertain significance for Emery-Dreifuss muscular dystrophy 5, autosomal dominant. Last evaluated: 2023-07-10. Review status: criteria provided, single submitter. Criteria: Invitae Variant Classification Sherloc (09022015). Collection method: clinical testing. Allele origin: germline.
Comment: This sequence change replaces glutamic acid, which is acidic and polar, with aspartic acid, which is acidic and polar, at codon 2788 of the SYNE2 protein (p.Glu2788Asp). This variant is present in population databases (no rsID available, gnomAD 0.0009%). This variant has not been reported in the literature in individuals affected with SYNE2-related conditions. ClinVar contains an entry for this variant (Variation ID: 1052418). An algorithm developed to predict the effect of missense changes on protein structure and function (PolyPhen-2) suggests that this variant is likely to be disruptive. In summary, the available evidence is currently insufficient to determine the role of this variant in disease. Therefore, it has been classified as a Variant of Uncertain Significance.

NM_182914.3(SYNE2):c.8364G>C (p.Glu2788Asp)

Gene: SYNE2 (spectrin repeat containing nuclear envelope protein 2; plus strand). Cytogenetic location: 14q23.2.
Variant type: single nucleotide variant.
Coding change: c.8364G>C on transcript NM_182914.3 (MANE Select); coding-DNA position 8364, G replaced by C.
Protein change: p.Glu2788Asp; replaces glutamic acid 2788 with aspartic acid.
Molecular consequence: missense variant.
Genome position (GRCh38, 1-based): chr14:64,052,277, G>C. VCF-style: chr14-64052277-G-C. GRCh37 (hg19) VCF-style: chr14-64518995-G-C.
Other names: c.8364G>C, p.Glu2788Asp (NM_015180.6); short protein forms E2788D.
Identifiers: ClinVar variation 1052418 (VCV001052418.9), dbSNP rs1020192497, ClinGen allele CA261838100.